The following is an entry in ClinVar:

ClinVar aggregate classification (germline): Uncertain significance (1 of 4 stars; one submission).

Conditions:
Arrhythmogenic right ventricular dysplasia 8 (ARVD8). Also called: Arrhythmogenic Right Ventricular Dysplasia/Cardiomyopathy 8; ARRHYTHMOGENIC RIGHT VENTRICULAR DYSPLASIA, FAMILIAL, 8; ARRHYTHMOGENIC RIGHT VENTRICULAR CARDIOMYOPATHY 8. Identifiers: MedGen C1843896, MONDO:0011831, OMIM 607450.
Arrhythmogenic cardiomyopathy with wooly hair and keratoderma. Also called: PALMOPLANTAR KERATODERMA WITH LEFT VENTRICULAR CARDIOMYOPATHY AND WOOLLY HAIR; Carvajal syndrome; Dilated cardiomyopathy with woolly hair and keratoderma; Arrhythmogenic cardiomyopathy with woolly hair and keratoderma. Identifiers: Orphanet 65282, MedGen C1854063, MONDO:0011581, OMIM 605676.

Allele frequency attached by ClinVar (database versions not stated): gnomAD 0.00001.
gnomAD v4.1: 1 of 1,614,066 alleles (0.000062%); highest among the groups gnomAD compares: South Asian, 0.0011%; no homozygotes.

Submission:

Labcorp Genetics (formerly Invitae), Labcorp
Classification: Uncertain significance for Arrhythmogenic cardiomyopathy with wooly hair and keratoderma; Arrhythmogenic right ventricular dysplasia 8. Last evaluated: 2022-03-19. Review status: criteria provided, single submitter. Criteria: Invitae Variant Classification Sherloc (09022015). Collection method: clinical testing. Allele origin: germline.
Comment: In summary, the available evidence is currently insufficient to determine the role of this variant in disease. Therefore, it has been classified as a Variant of Uncertain Significance. Algorithms developed to predict the effect of missense changes on protein structure and function are either unavailable or do not agree on the potential impact of this missense change (SIFT: "Deleterious"; PolyPhen-2: "Probably Damaging"; Align-GVGD: "Class C0"). This variant has not been reported in the literature in individuals affected with DSP-related conditions. This variant is not present in population databases (gnomAD no frequency). This sequence change replaces glutamine, which is neutral and polar, with glutamic acid, which is acidic and polar, at codon 2546 of the DSP protein (p.Gln2546Glu).

NM_004415.4(DSP):c.7636C>G (p.Gln2546Glu)

Gene: DSP (desmoplakin; plus strand). Cytogenetic location: 6p24.3.
Variant type: single nucleotide variant.
Coding change: c.7636C>G on transcript NM_004415.4 (MANE Select); coding-DNA position 7636, C replaced by G.
Protein change: p.Gln2546Glu; replaces glutamine 2546 with glutamic acid.
Molecular consequence: missense variant.
Genome position (GRCh38, 1-based): chr6:7,584,898, C>G. VCF-style: chr6-7584898-C-G. GRCh37 (hg19) VCF-style: chr6-7585131-C-G.
Other names: c.5839C>G, p.Gln1947Glu (NM_001008844.3); c.6307C>G, p.Gln2103Glu (NM_001319034.2); short protein forms Q2546E, Q1947E, Q2103E.
Identifiers: ClinVar variation 2114647 (VCV002114647.4), dbSNP rs1759584938, ClinGen allele CA362693449.